The following is an entry in ClinVar:

NM_000987.5(RPL26):c.168+4T>G

Gene: RPL26 (ribosomal protein L26; minus strand). Cytogenetic location: 17p13.1.
Variant type: single nucleotide variant.
Coding change: c.168+4T>G on transcript NM_000987.5 (MANE Select); 4 bases into the intron after coding-DNA position 168, T replaced by G.
Molecular consequence: intron variant.
Genome position (GRCh38, 1-based): chr17:8,382,139, A>C on the plus strand (T>G on the coding strand, the complement: RPL26 is on the minus strand). VCF-style: chr17-8382139-A-C. GRCh37 (hg19) VCF-style: chr17-8285457-A-C.
Other names: c.168+4T>G (NM_001315531.2, NM_001315530.2).
Identifiers: ClinVar variation 2819887 (VCV002819887.3), dbSNP rs2544009043, ClinGen allele CA2636007991.
Genomic context (GRCh38, chr17:8,382,139, plus strand): 5'-CTCTCTTCTAAGCTAAGTGCGTAAAATATCCATCAAGACAACGAGAACAAGTAGGGATAC[A>C]CACCTGAACTTCATCATCCTTTCGGATGGGCATGGATCGCACGTTGTACTTCTGTCTCAG-3'

ClinVar aggregate classification (germline): Uncertain significance (1 of 4 stars; one submission).

Conditions:
Diamond-Blackfan anemia. Also called: Blackfan Diamond syndrome; Aregenerative anemia chronic congenital; Red cell aplasia, pure hereditary; Congenital hypoplastic anemia; Aase syndrome. Identifiers: Orphanet 124, MedGen C1260899, MeSH D029503, MONDO:0015253, HP:0004810.

gnomAD v4.1: 2 of 1,612,038 alleles (0.00012%); highest among the groups gnomAD compares: South Asian, 0.0022%; no homozygotes.

Submission:

Labcorp Genetics (formerly Invitae), Labcorp
Classification: Uncertain significance for Diamond-Blackfan anemia. Last evaluated: 2022-12-10. Review status: criteria provided, single submitter. Criteria: Invitae Variant Classification Sherloc (09022015). Collection method: clinical testing. Allele origin: germline.
Comment: This variant is not present in population databases (gnomAD no frequency). This variant has not been reported in the literature in individuals affected with RPL26-related conditions. Variants that disrupt the consensus splice site are a relatively common cause of aberrant splicing (PMID: 17576681, 9536098). Algorithms developed to predict the effect of sequence changes on RNA splicing suggest that this variant is not likely to affect RNA splicing. In summary, the available evidence is currently insufficient to determine the role of this variant in disease. Therefore, it has been classified as a Variant of Uncertain Significance. This sequence change falls in intron 2 of the RPL26 gene. It does not directly change the encoded amino acid sequence of the RPL26 protein. It affects a nucleotide within the consensus splice site.

Literature cited by the submitters: PubMed 17576681; PubMed 9536098.